The following is an entry in ClinVar:

ClinVar aggregate classification (germline): Uncertain significance (1 of 4 stars; one submission).

Conditions:
Encephalopathy, acute, infection-induced (herpes-specific), susceptibility to, 6. Also called: Herpes simplex encephalitis, susceptibility to, 4. Identifiers: Orphanet 1930, MedGen C3553869, MONDO:0013921, OMIM 614850.

Submission:

Labcorp Genetics (formerly Invitae), Labcorp
Classification: Uncertain significance for Encephalopathy, acute, infection-induced (herpes-specific), susceptibility to, 6. Last evaluated: 2019-07-30. Review status: criteria provided, single submitter. Criteria: Invitae Variant Classification Sherloc (09022015). Collection method: clinical testing. Allele origin: germline.
Comment: This sequence change replaces arginine with glycine at codon 522 of the TICAM1 protein (p.Arg522Gly). The arginine residue is highly conserved and there is a moderate physicochemical difference between arginine and glycine. This variant is not present in population databases (ExAC no frequency). This variant has not been reported in the literature in individuals with TICAM1-related conditions. Algorithms developed to predict the effect of missense changes on protein structure and function are either unavailable or do not agree on the potential impact of this missense change (SIFT: "Deleterious"; PolyPhen-2: "Benign"; Align-GVGD: "Class C65"). In summary, the available evidence is currently insufficient to determine the role of this variant in disease. Therefore, it has been classified as a Variant of Uncertain Significance.

NM_182919.4(TICAM1):c.1564A>G (p.Arg522Gly)

Gene: TICAM1 (TIR domain containing adaptor molecule 1; minus strand). Cytogenetic location: 19p13.3.
Variant type: single nucleotide variant.
Coding change: c.1564A>G on transcript NM_182919.4 (MANE Select); coding-DNA position 1564, A replaced by G.
Protein change: p.Arg522Gly; replaces arginine 522 with glycine.
Molecular consequence: missense variant.
Genome position (GRCh38, 1-based): chr19:4,816,814, T>C on the plus strand (A>G on the coding strand, the complement: TICAM1 is on the minus strand). VCF-style: chr19-4816814-T-C. GRCh37 (hg19) VCF-style: chr19-4816826-T-C.
Other names: short protein forms R522G.
Identifiers: ClinVar variation 933857 (VCV000933857.10), dbSNP rs2093586437, ClinGen allele CA403489319.